The following is an entry in ClinVar:

NM_013275.6(ANKRD11):c.3431C>G (p.Pro1144Arg)

Gene: ANKRD11 (ankyrin repeat domain 11; minus strand). Cytogenetic location: 16q24.3.
Variant type: single nucleotide variant.
Coding change: c.3431C>G on transcript NM_013275.6 (MANE Select); coding-DNA position 3431, C replaced by G.
Protein change: p.Pro1144Arg; replaces proline 1144 with arginine.
Molecular consequence: missense variant.
Genome position (GRCh38, 1-based): chr16:89,283,111, G>C on the plus strand (C>G on the coding strand, the complement: ANKRD11 is on the minus strand). VCF-style: chr16-89283111-G-C. GRCh37 (hg19) VCF-style: chr16-89349519-G-C.
Other names: c.3431C>G, p.Pro1144Arg (NM_001256182.2, NM_001256183.2); short protein forms P1144R.
Identifiers: ClinVar variation 3730697 (VCV003730697.2).

ClinVar aggregate classification (germline): Uncertain significance (1 of 4 stars; one submission).

Conditions:
KBG syndrome (KBGS). Also called: ANKRD11-Related KBG Syndrome. Identifiers: Orphanet 2332, MedGen C0220687, MONDO:0007846, OMIM 148050.

gnomAD v4.1: 60 of 1,613,742 alleles (0.0037%); highest among the groups gnomAD compares: Non-Finnish European, 0.005%; no homozygotes.

Submission:

Labcorp Genetics (formerly Invitae), Labcorp
Classification: Uncertain significance for KBG syndrome. Last evaluated: 2024-09-21. Review status: criteria provided, single submitter. Criteria: Invitae Variant Classification Sherloc (09022015). Collection method: clinical testing. Allele origin: germline.
Comment: This sequence change replaces proline, which is neutral and non-polar, with arginine, which is basic and polar, at codon 1144 of the ANKRD11 protein (p.Pro1144Arg). This variant is present in population databases (rs137894790, gnomAD 0.007%). This variant has not been reported in the literature in individuals affected with ANKRD11-related conditions. Invitae Evidence Modeling of protein sequence and biophysical properties (such as structural, functional, and spatial information, amino acid conservation, physicochemical variation, residue mobility, and thermodynamic stability) indicates that this missense variant is not expected to disrupt ANKRD11 protein function with a negative predictive value of 95%. In summary, the available evidence is currently insufficient to determine the role of this variant in disease. Therefore, it has been classified as a Variant of Uncertain Significance.